The following is an entry in ClinVar:

NM_001931.5(DLAT):c.1515-214G>A

Genes: DLAT (dihydrolipoamide S-acetyltransferase; plus strand), PIH1D2 (PIH1 domain containing 2; minus strand). Cytogenetic location: 11q23.1.
Variant type: single nucleotide variant.
Coding change: c.1515-214G>A on transcript NM_001931.5 (MANE Select); 214 bases into the intron before coding-DNA position 1515, G replaced by A.
Molecular consequence: intron variant.
Genome position (GRCh38, 1-based): chr11:112,059,689, G>A. VCF-style: chr11-112059689-G-A. GRCh37 (hg19) VCF-style: chr11-111930413-G-A.
Other names: c.1053-214G>A (NM_001372042.1); c.1533-214G>A (NM_001372031.1); c.1515-235G>A (NM_001372033.1); c.1407-214G>A (NM_001372035.1); c.1509-214G>A (NM_001372032.1); c.1200-214G>A (NM_001372039.1); c.1092-214G>A (NM_001372041.1); c.1236-214G>A (NM_001372038.1); and 4 more.
Identifiers: ClinVar variation 674119 (VCV000674119.1), dbSNP rs536625, ClinGen allele CA228564294.

ClinVar aggregate classification (germline): Benign (1 of 4 stars; one submission).

Allele frequency attached by ClinVar (database versions not stated): gnomAD 0.06414; 1000 Genomes Project 0.07049; 1000 Genomes Project 30x 0.07370; TOPMed 0.07379.
gnomAD v4.1: 9,711 of 152,090 alleles (6.4%); highest among the groups gnomAD compares: African/African-American, 22%; 1,058 homozygotes.

Submission:

GeneDx
Classification: Benign. Last evaluated: 2018-06-19. Review status: criteria provided, single submitter. Criteria: GeneDx Variant Classification (06012015). Collection method: clinical testing. Allele origin: germline. Affected: yes.
Comment: This variant is considered likely benign or benign based on one or more of the following criteria: it is a conservative change, it occurs at a poorly conserved position in the protein, it is predicted to be benign by multiple in silico algorithms, and/or has population frequency not consistent with disease.